The following is an entry in ClinVar:

ClinVar aggregate classification (germline): Pathogenic/Likely pathogenic. Review status: criteria provided, multiple submitters, no conflicts (2 of 4 stars). 7 submissions from 7 submitters: Pathogenic (4); Likely pathogenic (1). 2 of the submissions do not count toward it. Last evaluated 2025-03-04.

Conditions:
Hereditary breast ovarian cancer syndrome. Also called: Breast and ovarian cancer; Hereditary breast and ovarian cancer; Hereditary breast and ovarian cancer syndrome; Hereditary breast and/or ovarian cancer syndrome; BRCA1- and BRCA2-Associated Hereditary Breast and Ovarian Cancer; Hereditary breast and ovarian cancer syndrome (HBOC). Identifiers: Orphanet 145, MedGen C0677776, MeSH D061325, MONDO:0003582. Disease mechanism: loss of function.
Breast-ovarian cancer, familial, susceptibility to, 1 (BROVCA1). Also called: BRCA1 Hereditary Breast and Ovarian Cancer; OVARIAN CANCER, SUSCEPTIBILITY TO. Identifiers: Orphanet 145, MedGen C2676676, MONDO:0011450, OMIM 604370. Disease mechanism: loss of function.
Familial cancer of breast. Also called: BREAST CANCER, FAMILIAL; hereditary breast carcinoma; Hereditary breast cancer. Identifiers: Orphanet 227535, MedGen C0346153, MONDO:0016419, OMIM 114480. Disease mechanism: loss of function.
Uterine corpus cancer. Identifiers: MedGen CN277893, MONDO:0006003.
Hereditary cancer-predisposing syndrome. Also called: Tumor predisposition; Hereditary Cancer Syndrome; Neoplastic Syndromes, Hereditary; Hereditary neoplastic syndrome. Identifiers: Orphanet 140162, MedGen C0027672, MeSH D009386, MONDO:0015356.

Submissions (7):

Institute of Human Genetics, University of Leipzig Medical Center
Classification: Pathogenic for Breast-ovarian cancer, familial, susceptibility to, 1. Last evaluated: 2025-03-04. Review status: criteria provided, single submitter. Criteria: ACMG Guidelines, 2015. Collection method: clinical testing. Allele origin: unknown. Inheritance: Autosomal dominant inheritance. Affected: yes.
Comment: Criteria applied: PVS1,PM2

Labcorp Genetics (formerly Invitae), Labcorp
Classification: Pathogenic for Familial cancer of breast. Last evaluated: 2025-02-17. Review status: criteria provided, single submitter. Criteria: Invitae Variant Classification Sherloc (09022015). Collection method: clinical testing. Allele origin: germline.
Comment: This sequence change creates a premature translational stop signal (p.Tyr298*) in the CHEK2 gene. It is expected to result in an absent or disrupted protein product. Loss-of-function variants in CHEK2 are known to be pathogenic (PMID: 21876083, 24713400). This variant is not present in population databases (gnomAD no frequency). This variant has not been reported in the literature in individuals affected with CHEK2-related conditions. ClinVar contains an entry for this variant (Variation ID: 232048). Algorithms developed to predict the effect of sequence changes on RNA splicing suggest that this variant may disrupt the consensus splice site. For these reasons, this variant has been classified as Pathogenic.

German Consortium for Hereditary Breast and Ovarian Cancer, University Hospital Cologne
Classification: Likely pathogenic for Hereditary breast ovarian cancer syndrome. Last evaluated: 2024-11-11. Review status: criteria provided, single submitter. Criteria: ACMG Guidelines, 2015. Collection method: curation. Allele origin: germline.
Comment: According to the ACMG SVI adaptation criteria we chose these criteria: PVS1 (very strong pathogenic): nach Tayoun (2018, PMID: 30192042): PVS1_Very_Strong, PM2 (supporting pathogenic): not in gomAD v2/3/4

Myriad Genetics, Inc.
Classification: Pathogenic for Familial cancer of breast. Last evaluated: 2023-03-08. Review status: criteria provided, single submitter. Criteria: Myriad Autosomal Dominant, Autosomal Recessive and X-Linked Classification Criteria (2023). Collection method: clinical testing. Allele origin: unknown.
Comment: This variant is considered pathogenic. This variant creates a termination codon and is predicted to result in premature protein truncation.

Ambry Genetics
Classification: Pathogenic for Hereditary cancer-predisposing syndrome. Last evaluated: 2022-07-06. Review status: criteria provided, single submitter. Criteria: Ambry Variant Classification Scheme 2023. Collection method: clinical testing. Allele origin: germline.
Comment: The p.Y298* pathogenic mutation (also known as c.894T>G), located in coding exon 7 of the CHEK2 gene, results from a T to G substitution at nucleotide position 894. This changes the amino acid from a tyrosine to a stop codon within coding exon 7. This variant is considered to be rare based on population cohorts in the Genome Aggregation Database (gnomAD). This alteration is expected to result in loss of function by premature protein truncation or nonsense-mediated mRNA decay. As such, this alteration is interpreted as a disease-causing mutation.

CZECANCA consortium
Classification: Pathogenic for Uterine corpus cancer. Last evaluated: 2023-02-21. Review status: no assertion criteria provided. Collection method: clinical testing. Allele origin: germline. Affected: yes. Observed: 1 variant allele. Not counted in ClinVar's aggregate classification.

Counsyl
Classification: Likely pathogenic for Familial cancer of breast. Last evaluated: 2017-01-11. Review status: no assertion criteria provided. Collection method: clinical testing. Allele origin: unknown. Not counted in ClinVar's aggregate classification.

Literature cited by the submitters: PubMed 21876083 (cited by Labcorp Genetics (formerly Invitae), Labcorp); PubMed 24713400 (cited by Labcorp Genetics (formerly Invitae), Labcorp).

NM_007194.4(CHEK2):c.894T>G (p.Tyr298Ter)

Gene: CHEK2 (checkpoint kinase 2; minus strand). Cytogenetic location: 22q12.1.
Variant type: single nucleotide variant.
Coding change: c.894T>G on transcript NM_007194.4 (MANE Select); coding-DNA position 894, T replaced by G.
Protein change: p.Tyr298Ter; replaces tyrosine 298 with a stop codon.
Molecular consequence: nonsense.
Genome position (GRCh38, 1-based): chr22:28,703,519, A>C on the plus strand (T>G on the coding strand, the complement: CHEK2 is on the minus strand). VCF-style: chr22-28703519-A-C. GRCh37 (hg19) VCF-style: chr22-29099507-A-C.
Other names: c.1023T>G, p.Tyr341Ter (NM_001005735.3); c.231T>G, p.Tyr77Ter (NM_001257387.3); c.693T>G, p.Tyr231Ter (NM_001349956.3); c.894T>G, p.Tyr298Ter (NM_145862.3); short protein forms Y298*, Y341*, Y231*, Y77*.
Identifiers: ClinVar variation 232048 (VCV000232048.18), dbSNP rs876659519, ClinGen allele CA10581066.
Genomic context (GRCh38, chr22:28,703,519, plus strand): 5'-AAGCATTTGAATGGAAACAGAAATTTTTAAAAAGTTTACTACTTACAATTCCAAAACAAT[A>C]TAATAATCTTCTGCATCAAAAAAGTTTTTAATCTTGATGATGCAAGGCTAAGAAGAGGGG-3'